The following is an entry in ClinVar:

NM_000053.4(ATP7B):c.540C>T (p.Asn180=)

Gene: ATP7B (ATPase copper transporting beta; minus strand). Cytogenetic location: 13q14.3.
Variant type: single nucleotide variant.
Coding change: c.540C>T on transcript NM_000053.4 (MANE Select); coding-DNA position 540, C replaced by T.
Protein change: p.Asn180=; no amino-acid change (asparagine 180 retained).
Molecular consequence: synonymous variant.
Genome position (GRCh38, 1-based): chr13:51,974,680, G>A on the plus strand (C>T on the coding strand, the complement: ATP7B is on the minus strand). VCF-style: chr13-51974680-G-A. GRCh37 (hg19) VCF-style: chr13-52548816-G-A.
Other names: c.540C>T, p.Asn180= (NM_001005918.3, NM_001243182.2, NM_001330578.2 and 1 more transcripts).
Identifiers: ClinVar variation 767480 (VCV000767480.19), dbSNP rs537892210, ClinGen allele CA6989544.
Genomic context (GRCh38, chr13:51,974,680, plus strand): 5'-ATGGTCCCTGAGGTCTTCGGGCTGAATGAGATAAGGCTGATAAGTGATGACGGCCTCTTG[G>A]TTGCTGAGTGAGACTTTGACTCTCACTACTCCTTGCAGTTTCCGGACCTTGCCTTCAATG-3'
Protein context (NP_000044.2, residues 170-190): GVVRVKVSLS[Asn180=]QEAVITYQPY

ClinVar aggregate classification (germline): Benign/Likely benign. Review status: criteria provided, multiple submitters, no conflicts (2 of 4 stars). 5 submissions from 5 submitters: Benign (1); Likely benign (3). 1 of the submissions does not count toward it. Last evaluated 2026-01-21.

Conditions:
Inborn genetic diseases. Identifiers: MedGen C0950123, MeSH D030342.
Wilson disease (WND). Also called: Wilson's disease. Identifiers: Orphanet 905, MedGen C0019202, MONDO:0010200, OMIM 277900. Disease mechanism: loss of function.

Allele frequency attached by ClinVar (database versions not stated): gnomAD below 0.00001 and 0.00012; TOPMed 0.00001; 1000 Genomes Project 0.00040; gnomAD exomes 0.00049; ExAC 0.00051; 1000 Genomes Project 30x 0.00062.
gnomAD v4.1: 378 of 1,611,292 alleles (0.023%); highest among the groups gnomAD compares: South Asian, 0.4%; 8 homozygotes.

Submissions (5):

Labcorp Genetics (formerly Invitae), Labcorp
Classification: Benign for Wilson disease. Last evaluated: 2026-01-21. Review status: criteria provided, single submitter. Criteria: Invitae Variant Classification Sherloc (09022015). Collection method: clinical testing. Allele origin: germline.

All of Us Research Program, National Institutes of Health
Classification: Likely benign for Wilson disease. Last evaluated: 2023-12-01. Review status: criteria provided, single submitter. Criteria: ACMG Guidelines, 2015. Collection method: clinical testing. Allele origin: germline. Inheritance: Autosomal recessive inheritance. Observed: 5 variant alleles, 5 heterozygotes.
Comment: This study involves interpretation of variants in research participants for the purpose of population health screening. Participant phenotype was not available at the time of variant classification. Additional details can be found in publication PMID: 35346344, PMCID: PMC8962531

Color Diagnostics, LLC DBA Color Health
Classification: Likely benign for Wilson disease. Last evaluated: 2023-02-28. Review status: criteria provided, single submitter. Criteria: ACMG Guidelines, 2015. Collection method: clinical testing. Allele origin: germline.

Ambry Genetics
Classification: Likely benign for Inborn genetic diseases. Last evaluated: 2020-12-30. Review status: criteria provided, single submitter. Criteria: Ambry Variant Classification Scheme 2023. Collection method: clinical testing. Allele origin: germline.

Natera, Inc.
Classification: Likely benign for Wilson disease. Last evaluated: 2020-04-15. Review status: no assertion criteria provided. Collection method: clinical testing. Allele origin: germline. Not counted in ClinVar's aggregate classification.